The following is an entry in ClinVar:

NM_005612.5(REST):c.2557G>C (p.Glu853Gln)

Gene: REST (RE1 silencing transcription factor; plus strand). Cytogenetic location: 4q12.
Variant type: single nucleotide variant.
Coding change: c.2557G>C on transcript NM_005612.5 (MANE Select); coding-DNA position 2557, G replaced by C.
Protein change: p.Glu853Gln; replaces glutamic acid 853 with glutamine.
Molecular consequence: missense variant.
Genome position (GRCh38, 1-based): chr4:56,931,415, G>C. VCF-style: chr4-56931415-G-C. GRCh37 (hg19) VCF-style: chr4-57797581-G-C.
Other names: c.2557G>C, p.Glu853Gln (NM_001193508.2, NM_001363453.3); short protein forms E853Q.
Identifiers: ClinVar variation 710927 (VCV000710927.15), dbSNP rs143324668, ClinGen allele CA2932514.
Genomic context (GRCh38, chr4:56,931,415, plus strand): 5'-AAGGAGCAAGTCCTTATTGAAGTTGGCTTAGTGCCTGTTAAAGATAGCTGGCTTCTAAAG[G>C]AAAGTGTAAGCACAGAGGATCTCTCACCACCATCACCACCACTGCCAAAGGAAAATTTAA-3'
Protein context (NP_005603.3, residues 843-863): VPVKDSWLLK[Glu853Gln]SVSTEDLSPP

ClinVar aggregate classification (germline): Benign/Likely benign. Review status: criteria provided, multiple submitters, no conflicts (2 of 4 stars). 4 submissions from 4 submitters: Benign (2); Likely benign (1). 1 of the submissions does not count toward it. Last evaluated 2026-01-19.

Conditions:
REST-related disorder. Also called: REST-related condition.

Allele frequency attached by ClinVar (database versions not stated): gnomAD exomes 0.00025 and 0.00064; ExAC 0.00078; 1000 Genomes Project 0.00220; gnomAD 0.00262 and 0.00290; 1000 Genomes Project 30x 0.00265; ESP Exome Variant Server 0.00284; TOPMed 0.00302.
gnomAD v4.1: 772 of 1,614,232 alleles (0.048%); highest among the groups gnomAD compares: African/African-American, 0.97%; 7 homozygotes.

Submissions (4):

Labcorp Genetics (formerly Invitae), Labcorp
Classification: Benign. Last evaluated: 2026-01-19. Review status: criteria provided, single submitter. Criteria: Invitae Variant Classification Sherloc (09022015). Collection method: clinical testing. Allele origin: germline.

Blueprint Genetics
Classification: Likely benign. Last evaluated: 2024-11-25. Review status: criteria provided, single submitter. Criteria: ACMG Guidelines, 2015. Collection method: clinical testing. Allele origin: germline.

Breakthrough Genomics
Classification: Benign. Review status: criteria provided, single submitter. Criteria: ACMG Guidelines, 2015. Collection method: not provided. Allele origin: germline. Inheritance: Autosomal dominant inheritance. Affected: yes.

PreventionGenetics, part of Exact Sciences
Classification: Benign for REST-related condition. Last evaluated: 2019-07-15. Review status: no assertion criteria provided. Collection method: clinical testing. Allele origin: germline. Not counted in ClinVar's aggregate classification.
Comment: This variant is classified as benign based on ACMG/AMP sequence variant interpretation guidelines (Richards et al. 2015 PMID: 25741868, with internal and published modifications).